The following is an entry in ClinVar:

ClinVar aggregate classification (germline): Uncertain significance (1 of 4 stars; one submission).

Submission:

Labcorp Genetics (formerly Invitae), Labcorp
Classification: Uncertain significance. Last evaluated: 2025-06-12. Review status: criteria provided, single submitter. Criteria: Invitae Variant Classification Sherloc (09022015). Collection method: clinical testing. Allele origin: germline.
Comment: This sequence change replaces proline, which is neutral and non-polar, with arginine, which is basic and polar, at codon 1725 of the MYO7A protein (p.Pro1725Arg). This variant is not present in population databases (gnomAD no frequency). This variant has not been reported in the literature in individuals affected with MYO7A-related conditions. Invitae Evidence Modeling of protein sequence and biophysical properties (such as structural, functional, and spatial information, amino acid conservation, physicochemical variation, residue mobility, and thermodynamic stability) indicates that this missense variant is expected to disrupt MYO7A protein function with a positive predictive value of 95%. In summary, the available evidence is currently insufficient to determine the role of this variant in disease. Therefore, it has been classified as a Variant of Uncertain Significance.

NM_000260.4(MYO7A):c.5174C>G (p.Pro1725Arg)

Gene: MYO7A (myosin VIIA; plus strand). Cytogenetic location: 11q13.5.
Variant type: single nucleotide variant.
Coding change: c.5174C>G on transcript NM_000260.4 (MANE Select); coding-DNA position 5174, C replaced by G.
Protein change: p.Pro1725Arg; replaces proline 1725 with arginine.
Molecular consequence: missense variant.
Genome position (GRCh38, 1-based): chr11:77,203,065, C>G. VCF-style: chr11-77203065-C-G. GRCh37 (hg19) VCF-style: chr11-76914110-C-G.
Other names: c.5060C>G, p.Pro1687Arg (NM_001127180.2); c.5027C>G, p.Pro1676Arg (NM_001369365.1); short protein forms P1676R, P1687R, P1725R.
Identifiers: ClinVar variation 4800488 (VCV004800488.1).